The following is an entry in ClinVar:

ClinVar aggregate classification (germline): Uncertain significance (1 of 4 stars; one submission).

Submission:

Ambry Genetics
Classification: Uncertain significance. Last evaluated: 2026-03-17. Review status: criteria provided, single submitter. Criteria: Ambry Variant Classification Scheme 2023. Collection method: clinical testing. Allele origin: germline.
Comment: The p.L36M variant (also known as c.106C>A), located in coding exon 2 of the RAD51B gene, results from a C to A substitution at nucleotide position 106. The leucine at codon 36 is replaced by methionine, an amino acid with highly similar properties. This amino acid position is conserved. In addition, this alteration is predicted to be tolerated by in silico analysis. Based on the available evidence, the clinical significance of this variant remains unclear.

NM_133510.4(RAD51B):c.106C>A (p.Leu36Met)

Gene: RAD51B (RAD51 paralog B; plus strand). Cytogenetic location: 14q24.1.
Variant type: single nucleotide variant.
Coding change: c.106C>A on transcript NM_133510.4 (MANE Select); coding-DNA position 106, C replaced by A.
Protein change: p.Leu36Met; replaces leucine 36 with methionine.
Molecular consequence: missense variant. On other transcripts: 5 prime UTR variant (2).
Genome position (GRCh38, 1-based): chr14:67,825,485, C>A. VCF-style: chr14-67825485-C-A. GRCh37 (hg19) VCF-style: chr14-68292202-C-A.
Other names: c.106C>A, p.Leu36Met (NM_001321809.2, NM_001321810.2, NM_001321812.1 and 6 more transcripts); c.-9C>A (NM_001321815.1); c.-350C>A (NM_001321817.2); short protein forms L36M.
Identifiers: ClinVar variation 4862876 (VCV004862876.1).
Genomic context (GRCh38, chr14:67,825,485, plus strand): 5'-CACATATATGTTTAAAATACTCTCTTTATGTTTCTTTAGGACTTTTTATGTCTTTCCCCA[C>A]TGGAGCTTATGAAGGTGACTGGTCTGAGTTATCGAGGTGTCCATGAACTTCTATGTATGG-3'
Protein context (NP_598194.1, residues 26-46): TCQDFLCLSP[Leu36Met]ELMKVTGLSY